The following is an entry in ClinVar:

NM_015450.3(POT1):c.1006+16A>C

Gene: POT1 (protection of telomeres 1; minus strand). Cytogenetic location: 7q31.33.
Variant type: single nucleotide variant.
Coding change: c.1006+16A>C on transcript NM_015450.3 (MANE Select); 16 bases into the intron after coding-DNA position 1006, A replaced by C.
Molecular consequence: intron variant.
Genome position (GRCh38, 1-based): chr7:124,846,926, T>G on the plus strand (A>C on the coding strand, the complement: POT1 is on the minus strand). VCF-style: chr7-124846926-T-G. GRCh37 (hg19) VCF-style: chr7-124486980-T-G.
Other names: c.613+16A>C (NM_001042594.2).
Identifiers: ClinVar variation 4741845 (VCV004741845.1).

ClinVar aggregate classification (germline): Uncertain significance (1 of 4 stars; one submission).

Conditions:
Tumor predisposition syndrome 3 (TPDS3). Also called: Melanoma, cutaneous malignant, susceptibility to, 10; Glioma susceptibility 9; LONG TELOMERE SYNDROME, POT1-RELATED; POT1 Tumor Predisposition. Identifiers: Orphanet 618, MedGen C4014476, MONDO:0014368, OMIM 615848.

Submission:

Labcorp Genetics (formerly Invitae), Labcorp
Classification: Uncertain significance for Tumor predisposition syndrome 3. Last evaluated: 2025-11-19. Review status: criteria provided, single submitter. Criteria: Invitae Variant Classification Sherloc (09022015). Collection method: clinical testing. Allele origin: germline.
Comment: This sequence change falls in intron 12 of the POT1 gene. It does not directly change the encoded amino acid sequence of the POT1 protein. This variant is not present in population databases (gnomAD no frequency). This variant has not been reported in the literature in individuals affected with POT1-related conditions. Studies have shown that this variant is associated with inconclusive levels of altered splicing (internal data). In summary, the available evidence is currently insufficient to determine the role of this variant in disease. Therefore, it has been classified as a Variant of Uncertain Significance.